The following is an entry in ClinVar:

ClinVar aggregate classification (germline): Benign (1 of 4 stars; one submission).

Conditions:
Dyskeratosis congenita. Identifiers: Orphanet 1775, MedGen C0265965, MONDO:0015780.

Allele frequency attached by ClinVar (database versions not stated): 1000 Genomes Project 0.03694; 1000 Genomes Project 30x 0.03763; TOPMed 0.06342.
gnomAD v4.1: 9,571 of 152,238 alleles (6.3%); highest among the groups gnomAD compares: Non-Finnish European, 9.7%; 407 homozygotes.

Submission:

Illumina Laboratory Services, Illumina
Classification: Benign for Dyskeratosis congenita. Last evaluated: 2018-01-13. Review status: criteria provided, single submitter. Criteria: ICSL Variant Classification Criteria 13 December 2019. Collection method: clinical testing. Allele origin: germline.
Comment: This variant was observed in the ICSL laboratory as part of a predisposition screen in an ostensibly healthy population. It had not been previously curated by ICSL or reported in the Human Gene Mutation Database (HGMD: prior to June 1st, 2018), and was therefore a candidate for classification through an automated scoring system. Utilizing variant allele frequency, disease prevalence and penetrance estimates, and inheritance mode, an automated score was calculated to assess if this variant is too frequent to cause the disease. Based on the score and internal cut-off values, a variant classified as benign is not then subjected to further curation. The score for this variant resulted in a classification of benign for this disease.

NM_025099.6(CTC1):c.*1474G>A

Gene: CTC1 (CST telomere replication complex component 1; minus strand). Cytogenetic location: 17p13.1.
Variant type: single nucleotide variant.
Coding change: c.*1474G>A on transcript NM_025099.6 (MANE Select); 1474 bases downstream of the stop codon, G replaced by A.
Molecular consequence: 3 prime UTR variant. On other transcripts: non-coding transcript variant (1).
Genome position (GRCh38, 1-based): chr17:8,226,706, C>T on the plus strand (G>A on the coding strand, the complement: CTC1 is on the minus strand). VCF-style: chr17-8226706-C-T. GRCh37 (hg19) VCF-style: chr17-8130024-C-T.
Identifiers: ClinVar variation 326028 (VCV000326028.5), dbSNP rs78517666, ClinGen allele CA10651349.